The following is an entry in ClinVar:

NM_015512.5(DNAH1):c.10537G>A (p.Val3513Ile)

Gene: DNAH1 (dynein axonemal heavy chain 1; plus strand). Cytogenetic location: 3p21.1.
Variant type: single nucleotide variant.
Coding change: c.10537G>A on transcript NM_015512.5 (MANE Select); coding-DNA position 10537, G replaced by A.
Protein change: p.Val3513Ile; replaces valine 3513 with isoleucine.
Molecular consequence: missense variant.
Genome position (GRCh38, 1-based): chr3:52,393,396, G>A. VCF-style: chr3-52393396-G-A. GRCh37 (hg19) VCF-style: chr3-52427412-G-A.
Other names: p.Val3513Ile; short protein forms V3513I.
Identifiers: ClinVar variation 1444161 (VCV001444161.7), dbSNP rs201247575, ClinGen allele CA2435877.

ClinVar aggregate classification (germline): Uncertain significance. Review status: criteria provided, multiple submitters, no conflicts (2 of 4 stars). 3 submissions from 3 submitters: Uncertain significance (3). Last evaluated 2025-01-17.

Conditions:
Spermatogenic failure 18. Identifiers: MedGen C4539783, MONDO:0054615, OMIM 617576.
Ciliary dyskinesia, primary, 37 (CILD37). Also called: CILIARY DYSKINESIA, PRIMARY, 37, WITH OR WITHOUT SITUS INVERSUS. Identifiers: MedGen C4539798, MONDO:0033204, OMIM 617577.

Allele frequency attached by ClinVar (database versions not stated): ExAC 0.00012; gnomAD 0.00014 and 0.00012; TOPMed 0.00015; ESP Exome Variant Server 0.00047; gnomAD exomes 0.00014 and 0.00020.
gnomAD v4.1: 304 of 1,613,888 alleles (0.019%); highest among the groups gnomAD compares: Non-Finnish European, 0.022%; no homozygotes.

Submissions (3):

Mayo Clinic Laboratories, Mayo Clinic
Classification: Uncertain significance. Last evaluated: 2025-01-17. Review status: criteria provided, single submitter. Criteria: ACMG Guidelines, 2015. Collection method: clinical testing. Allele origin: germline. Observed: 1 variant allele.
Comment: BP4

Labcorp Genetics (formerly Invitae), Labcorp
Classification: Uncertain significance for Ciliary dyskinesia, primary, 37; Spermatogenic failure 18. Last evaluated: 2022-05-30. Review status: criteria provided, single submitter. Criteria: Invitae Variant Classification Sherloc (09022015). Collection method: clinical testing. Allele origin: germline.
Comment: This sequence change replaces valine, which is neutral and non-polar, with isoleucine, which is neutral and non-polar, at codon 3513 of the DNAH1 protein (p.Val3513Ile). This variant is present in population databases (rs201247575, gnomAD 0.02%). This variant has not been reported in the literature in individuals affected with DNAH1-related conditions. ClinVar contains an entry for this variant (Variation ID: 1444161). Algorithms developed to predict the effect of missense changes on protein structure and function output the following: SIFT: "Deleterious"; PolyPhen-2: "Benign"; Align-GVGD: "Class C0". The isoleucine amino acid residue is found in multiple mammalian species, which suggests that this missense change does not adversely affect protein function. In summary, the available evidence is currently insufficient to determine the role of this variant in disease. Therefore, it has been classified as a Variant of Uncertain Significance.

Breakthrough Genomics
Classification: Uncertain significance. Review status: criteria provided, single submitter. Criteria: ACMG Guidelines, 2015. Collection method: not provided. Allele origin: germline. Inheritance: Autosomal recessive inheritance. Affected: yes.